The following is an entry in ClinVar:

NM_001288705.3(CSF1R):c.1969+110G>A

Gene: CSF1R (colony stimulating factor 1 receptor; minus strand). Cytogenetic location: 5q32.
Variant type: single nucleotide variant.
Coding change: c.1969+110G>A on transcript NM_001288705.3 (MANE Select); 110 bases into the intron after coding-DNA position 1969, G replaced by A.
Molecular consequence: intron variant.
Genome position (GRCh38, 1-based): chr5:150,060,752, C>T on the plus strand (G>A on the coding strand, the complement: CSF1R is on the minus strand). VCF-style: chr5-150060752-C-T. GRCh37 (hg19) VCF-style: chr5-149440315-C-T.
Other names: c.1525+110G>A (NM_001375321.1); c.1969+110G>A (NM_005211.4, NM_001375320.1, NM_001349736.2).
Identifiers: ClinVar variation 3348588 (VCV003348588.1).

ClinVar aggregate classification (germline): Likely benign (0 of 4 stars; one submission).

Conditions:
CSF1R-related disorder. Also called: CSF1R-related condition. Identifiers: MedGen CN379780, MONDO:0100632.

gnomAD v4.1: 165 of 672,564 alleles (0.025%); highest among the groups gnomAD compares: Non-Finnish European, 0.027%; 1 homozygote.

Submission:

PreventionGenetics, part of Exact Sciences
Classification: Likely benign for CSF1R-related condition. Last evaluated: 2024-09-04. Review status: no assertion criteria provided. Collection method: clinical testing. Allele origin: germline.
Comment: This variant is classified as likely benign based on ACMG/AMP sequence variant interpretation guidelines (Richards et al. 2015 PMID: 25741868, with internal and published modifications).